The following is an entry in ClinVar:

NM_000181.4(GUSB):c.684C>A (p.Ile228=)

Gene: GUSB (glucuronidase beta; minus strand). Cytogenetic location: 7q11.21.
Variant type: single nucleotide variant.
Coding change: c.684C>A on transcript NM_000181.4 (MANE Select); coding-DNA position 684, C replaced by A.
Protein change: p.Ile228=; no amino-acid change (isoleucine 228 retained).
Molecular consequence: synonymous variant. On other transcripts: non-coding transcript variant (1), intron variant (2).
Genome position (GRCh38, 1-based): chr7:65,979,439, G>T on the plus strand (C>A on the coding strand, the complement: GUSB is on the minus strand). VCF-style: chr7-65979439-G-T. GRCh37 (hg19) VCF-style: chr7-65444426-G-T.
Other names: c.114C>A, p.Ile38= (NM_001293104.2); c.67+785C>A (NM_001293105.2); c.474+395C>A (NM_001284290.2).
Identifiers: ClinVar variation 706155 (VCV000706155.12), dbSNP rs375590538, ClinGen allele CA4276561.

ClinVar aggregate classification (germline): Likely benign. Review status: criteria provided, multiple submitters, no conflicts (2 of 4 stars). 2 submissions from 2 submitters: Likely benign (2). Last evaluated 2025-12-23.

Conditions:
Mucopolysaccharidosis type 7 (MPS7). Also called: MPS VII; GUSB DEFICIENCY; SLY SYNDROME; BETA-GLUCURONIDASE DEFICIENCY. Identifiers: Orphanet 584, MedGen C0085132, MONDO:0009662, OMIM 253220.
GUSB-related disorder. Also called: GUSB-related condition.

Allele frequency attached by ClinVar (database versions not stated): ESP Exome Variant Server 0.00031; TOPMed 0.00041; gnomAD 0.00045; 1000 Genomes Project 30x 0.00031.
gnomAD v4.1: 117 of 1,613,940 alleles (0.0072%); highest among the groups gnomAD compares: African/African-American, 0.14%; no homozygotes.

Submissions (2):

Labcorp Genetics (formerly Invitae), Labcorp
Classification: Likely benign for Mucopolysaccharidosis type 7. Last evaluated: 2025-12-23. Review status: criteria provided, single submitter. Criteria: Invitae Variant Classification Sherloc (09022015). Collection method: clinical testing. Allele origin: germline.

PreventionGenetics, part of Exact Sciences
Classification: Likely benign for GUSB-related condition. Last evaluated: 2025-06-29. Review status: criteria provided, single submitter. Criteria: ACMG Guidelines, 2015. Collection method: clinical testing. Allele origin: germline.
Comment: This variant is classified as likely benign based on ACMG/AMP sequence variant interpretation guidelines (Richards et al. 2015 PMID: 25741868, with internal and published modifications).